The following is an entry in ClinVar:

ClinVar aggregate classification (germline): Uncertain significance (1 of 4 stars; one submission).

Submission:

GeneDx
Classification: Uncertain significance. Last evaluated: 2017-03-07. Review status: criteria provided, single submitter. Criteria: GeneDx Variant Classification (06012015). Collection method: clinical testing. Allele origin: germline. Affected: yes.
Comment: A variant of uncertain significance has been identified in the FBN1 gene. The P428T variant has not been published as pathogenic or been reported as benign to our knowledge. This variant is not observed in large population cohorts (Lek et al., 2016; 1000 Genomes Consortium et al., 2015; Exome Variant Server). The P428T variant is a non-conservative amino acid substitution, which is likely to impact secondary protein structure as these residues differ in polarity, charge, size and/or other properties. However, this substitution occurs at a position that is not conserved across species and in silico analysis is inconsistent in its predictions as to whether or not the variant is damaging to the protein structure/function. Finally, the P428T variant does not affect a Cysteine residue within a calcium-binding EGF-like domain of the FBN1 gene. Cysteine substitutions in the calcium-binding EGF-like domains represent the majority of pathogenic missense changes associated with Marfan syndrome (Collod-Beroud et al., 2003).

NM_000138.5(FBN1):c.1282C>A (p.Pro428Thr)

Gene: FBN1 (fibrillin 1; minus strand). Cytogenetic location: 15q21.1.
Variant type: single nucleotide variant.
Coding change: c.1282C>A on transcript NM_000138.5 (MANE Select); coding-DNA position 1282, C replaced by A.
Protein change: p.Pro428Thr; replaces proline 428 with threonine.
Molecular consequence: missense variant.
Genome position (GRCh38, 1-based): chr15:48,516,228, G>T on the plus strand (C>A on the coding strand, the complement: FBN1 is on the minus strand). VCF-style: chr15-48516228-G-T. GRCh37 (hg19) VCF-style: chr15-48808425-G-T.
Other names: short protein forms P428T.
Identifiers: ClinVar variation 423986 (VCV000423986.2), dbSNP rs1064796730, ClinGen allele CA16619975.